The following is an entry in ClinVar:

ClinVar aggregate classification (germline): Uncertain significance. Review status: criteria provided, multiple submitters, no conflicts (2 of 4 stars). 3 submissions from 3 submitters: Uncertain significance (3). Last evaluated 2025-11-26.

Conditions:
Spondyloepimetaphyseal dysplasia with joint laxity, type 1, with or without fractures (SEMDJL1). Also called: SPONDYLOEPIMETAPHYSEAL DYSPLASIA WITH JOINT LAXITY, TYPE 1. Identifiers: Orphanet 642099, Orphanet 93359, MedGen C4017377, MONDO:0010075, OMIM 271640.
Ehlers-Danlos syndrome, spondylodysplastic type, 2 (EDSSPD2). Also called: Ehlers-Danlos syndrome, progeroid type, 2. Identifiers: Orphanet 536467, Orphanet 75496, MedGen C3809210, MONDO:0014139, OMIM 615349.
Spondyloepimetaphyseal dysplasia with joint laxity (SEMDJL). Identifiers: MedGen C0432243, MONDO:0019675.
Inborn genetic diseases. Identifiers: MedGen C0950123, MeSH D030342.

Allele frequency attached by ClinVar (database versions not stated): gnomAD exomes 0.00002 and 0.00007; gnomAD 0.00006; ExAC 0.00005; TOPMed 0.00001; 1000 Genomes Project 30x 0.00031.
gnomAD v4.1: 92 of 1,349,420 alleles (0.0068%); highest among the groups gnomAD compares: South Asian, 0.16%; 1 homozygote.

Submissions (3):

Ambry Genetics
Classification: Uncertain significance for Inborn genetic diseases. Last evaluated: 2025-11-26. Review status: criteria provided, single submitter. Criteria: Ambry Variant Classification Scheme 2023. Collection method: clinical testing. Allele origin: germline.

Labcorp Genetics (formerly Invitae), Labcorp
Classification: Uncertain significance for Ehlers-Danlos syndrome, spondylodysplastic type, 2; Spondyloepimetaphyseal dysplasia with joint laxity. Last evaluated: 2022-04-07. Review status: criteria provided, single submitter. Criteria: Invitae Variant Classification Sherloc (09022015). Collection method: clinical testing. Allele origin: germline.
Comment: This sequence change replaces glutamic acid, which is acidic and polar, with glutamine, which is neutral and polar, at codon 174 of the B3GALT6 protein (p.Glu174Gln). This variant is present in population databases (rs750182732, gnomAD 0.03%). This variant has not been reported in the literature in individuals affected with B3GALT6-related conditions. Algorithms developed to predict the effect of missense changes on protein structure and function output the following: SIFT: "Tolerated"; PolyPhen-2: "Benign"; Align-GVGD: "Class C0". The glutamine amino acid residue is found in multiple mammalian species, which suggests that this missense change does not adversely affect protein function. In summary, the available evidence is currently insufficient to determine the role of this variant in disease. Therefore, it has been classified as a Variant of Uncertain Significance.

Center for Genomics, Ann and Robert H. Lurie Children's Hospital of Chicago
Classification: Uncertain significance for Ehlers-Danlos syndrome, spondylodysplastic type, 2; Spondyloepimetaphyseal dysplasia with joint laxity, type 1, with or without fractures. Review status: criteria provided, single submitter. Criteria: ACMG Guidelines, 2015. Collection method: clinical testing. Allele origin: germline.
Comment: B3GALT6 NM_080605.3 exon 1 p.Glu174Gln (c.520G>C): This variant has not been reported in the literature. This variant is present in 0.2% (10/4830) of South Asian alleles but not in any other sub-population in the Genome Aggregation Database. This variant amino acid Glutamine (Gln) is present in multiple mammals and is not well conserved among evolutionarily distant species; this suggests that this variant may not impact the protein. Additional computational prediction tools do not suggest an impact. In summary, data on this variant is insufficient for disease classification. Therefore, the clinical significance of this variant is uncertain.

NM_080605.4(B3GALT6):c.520G>C (p.Glu174Gln)

Gene: B3GALT6 (beta-1,3-galactosyltransferase 6; plus strand). Cytogenetic location: 1p36.33.
Variant type: single nucleotide variant.
Coding change: c.520G>C on transcript NM_080605.4 (MANE Select); coding-DNA position 520, G replaced by C.
Protein change: p.Glu174Gln; replaces glutamic acid 174 with glutamine.
Molecular consequence: missense variant.
Genome position (GRCh38, 1-based): chr1:1,232,798, G>C. VCF-style: chr1-1232798-G-C. GRCh37 (hg19) VCF-style: chr1-1168178-G-C.
Other names: c.520G>C (NM_080605.3); short protein forms E174Q.
Identifiers: ClinVar variation 1436880 (VCV001436880.9), dbSNP rs750182732, ClinGen allele CA513371.